The following is an entry in ClinVar:

ClinVar aggregate classification (germline): Uncertain significance (1 of 4 stars; one submission).

Allele frequency attached by ClinVar (database versions not stated): TOPMed 0.00002; ExAC 0.00002; gnomAD exomes 0.00001.

Submission:

Labcorp Genetics (formerly Invitae), Labcorp
Classification: Uncertain significance. Last evaluated: 2025-03-18. Review status: criteria provided, single submitter. Criteria: Invitae Variant Classification Sherloc (09022015). Collection method: clinical testing. Allele origin: germline.
Comment: This sequence change creates a premature translational stop signal (p.Cys20Leufs*17) in the CAPN5 gene. It is expected to result in an absent or disrupted protein product. However, the current clinical and genetic evidence is not sufficient to establish whether loss-of-function variants in CAPN5 cause disease. This variant is present in population databases (rs782363756, gnomAD 0.007%). This variant has not been reported in the literature in individuals affected with CAPN5-related conditions. ClinVar contains an entry for this variant (Variation ID: 2720548). In summary, the available evidence is currently insufficient to determine the role of this variant in disease. Therefore, it has been classified as a Variant of Uncertain Significance.

NM_004055.5(CAPN5):c.57dup (p.Cys20fs)

Gene: CAPN5 (calpain 5; plus strand). Cytogenetic location: 11q13.5.
Variant type: Duplication.
Coding change: c.57dup on transcript NM_004055.5 (MANE Select); coding-DNA position 57, one base duplicated (C; older notation c.57dupC).
Protein change: p.Cys20fs; shifts the reading frame from cysteine 20.
Molecular consequence: frameshift variant.
Genome position (GRCh38, 1-based): chr11:77,084,943, C duplicated. VCF-style (leftmost placement, unchanged base first): chr11-77084942-A-AC. GRCh37 (hg19) VCF-style: chr11-76795988-A-AC.
Other names: c.57dup, p.Cys20Leufs (NM_001425321.1, NM_001425322.1, NM_001425323.1); short protein forms C20fs.
Identifiers: ClinVar variation 2720548 (VCV002720548.3), dbSNP rs782363756, ClinGen allele CA6196083.